The following is an entry in ClinVar:

NM_012210.4(TRIM32):c.1864A>G (p.Ile622Val)

Genes: ASTN2 (astrotactin 2; minus strand), TRIM32 (tripartite motif containing 32; plus strand). Cytogenetic location: 9q33.1.
Variant type: single nucleotide variant.
Coding change: c.1864A>G on transcript NM_012210.4 (MANE Select); coding-DNA position 1864, A replaced by G.
Protein change: p.Ile622Val; replaces isoleucine 622 with valine.
Molecular consequence: missense variant. On other transcripts: intron variant (3).
Genome position (GRCh38, 1-based): chr9:116,699,606, A>G. VCF-style: chr9-116699606-A-G. GRCh37 (hg19) VCF-style: chr9-119461885-A-G.
Other names: c.2653+26165T>C (NM_014010.5); c.2794+26165T>C (NM_001365069.1); c.2806+26165T>C (NM_001365068.1); c.1864A>G, p.Ile622Val (NM_001099679.2, NM_001379048.1, NM_001379049.1 and 1 more transcripts); short protein forms I622V.
Identifiers: ClinVar variation 1007767 (VCV001007767.7), dbSNP rs1366193406, ClinGen allele CA374652598.

ClinVar aggregate classification (germline): Uncertain significance. Review status: criteria provided, multiple submitters, no conflicts (2 of 4 stars). 4 submissions from 4 submitters: Uncertain significance (4). Last evaluated 2026-03-25.

Conditions:
TRIM32-related disorder. Also called: TRIM32-related condition.
Bardet-Biedl syndrome (BBS). Identifiers: Orphanet 110, MedGen C0752166, MONDO:0015229.
Inborn genetic diseases. Identifiers: MedGen C0950123, MeSH D030342.

Allele frequency attached by ClinVar (database versions not stated): TOPMed 0.00001.
gnomAD v4.1: 2 of 1,614,200 alleles (0.00012%); no homozygotes.

Submissions (4):

GeneDx
Classification: Uncertain significance. Last evaluated: 2026-03-25. Review status: criteria provided, single submitter. Criteria: GeneDx Variant Classification Process June 2021. Collection method: clinical testing. Allele origin: germline.
Comment: Not observed at significant frequency in large population cohorts (gnomAD); In silico analysis suggests that this missense variant does not alter protein structure/function; Has not been previously published as pathogenic or benign to our knowledge

PreventionGenetics, part of Exact Sciences
Classification: Uncertain significance for TRIM32-related condition. Last evaluated: 2026-03-09. Review status: criteria provided, single submitter. Criteria: ACMG Guidelines, 2015. Collection method: clinical testing. Allele origin: germline.
Comment: The TRIM32 c.1864A>G variant is predicted to result in the amino acid substitution p.Ile622Val. To our knowledge, this variant has not been reported in the literature or in a large population database (gnomAD), indicating this variant is rare. At this time, the clinical significance of this variant is uncertain due to the absence of conclusive functional and genetic evidence.

Ambry Genetics
Classification: Uncertain significance for Inborn genetic diseases. Last evaluated: 2024-07-02. Review status: criteria provided, single submitter. Criteria: Ambry Variant Classification Scheme 2023. Collection method: clinical testing. Allele origin: germline.

Labcorp Genetics (formerly Invitae), Labcorp
Classification: Uncertain significance for Bardet-Biedl syndrome. Last evaluated: 2022-04-07. Review status: criteria provided, single submitter. Criteria: Invitae Variant Classification Sherloc (09022015). Collection method: clinical testing. Allele origin: germline.
Comment: This sequence change replaces isoleucine, which is neutral and non-polar, with valine, which is neutral and non-polar, at codon 622 of the TRIM32 protein (p.Ile622Val). This variant is not present in population databases (gnomAD no frequency). This variant has not been reported in the literature in individuals affected with TRIM32-related conditions. ClinVar contains an entry for this variant (Variation ID: 1007767). Algorithms developed to predict the effect of missense changes on protein structure and function (SIFT, PolyPhen-2, Align-GVGD) all suggest that this variant is likely to be tolerated. In summary, the available evidence is currently insufficient to determine the role of this variant in disease. Therefore, it has been classified as a Variant of Uncertain Significance.